The following is an entry in ClinVar:

ClinVar aggregate classification (germline): Uncertain significance. Review status: criteria provided, multiple submitters, no conflicts (2 of 4 stars). 3 submissions from 3 submitters: Uncertain significance (3). Last evaluated 2024-11-10.

Conditions:
3-methylcrotonyl-CoA carboxylase 1 deficiency (MCC1D). Also called: MCCD TYPE 1; METHYLCROTONYLGLYCINURIA TYPE I; MCC 1 deficiency; 3 Alpha methylcrotonylglycinuria 1. Identifiers: Orphanet 6, MedGen CN028786, MONDO:0008861, OMIM 210200.

Allele frequency attached by ClinVar (database versions not stated): gnomAD 0.00007; ExAC 0.00012; 1000 Genomes Project 30x 0.00172; 1000 Genomes Project 0.00220.

Submissions (3):

Labcorp Genetics (formerly Invitae), Labcorp
Classification: Uncertain significance for 3-methylcrotonyl-CoA carboxylase 1 deficiency. Last evaluated: 2024-11-10. Review status: criteria provided, single submitter. Criteria: Invitae Variant Classification Sherloc (09022015). Collection method: clinical testing. Allele origin: germline.
Comment: This sequence change replaces leucine, which is neutral and non-polar, with valine, which is neutral and non-polar, at codon 473 of the MCCC1 protein (p.Leu473Val). This variant is present in population databases (rs565662458, gnomAD 0.06%). This variant has not been reported in the literature in individuals affected with MCCC1-related conditions. ClinVar contains an entry for this variant (Variation ID: 1441945). Invitae Evidence Modeling of protein sequence and biophysical properties (such as structural, functional, and spatial information, amino acid conservation, physicochemical variation, residue mobility, and thermodynamic stability) has been performed for this missense variant. However, the output from this modeling did not meet the statistical confidence thresholds required to predict the impact of this variant on MCCC1 protein function. In summary, the available evidence is currently insufficient to determine the role of this variant in disease. Therefore, it has been classified as a Variant of Uncertain Significance.

Women's Health and Genetics/Laboratory Corporation of America, LabCorp
Classification: Uncertain significance. Last evaluated: 2022-06-23. Review status: criteria provided, single submitter. Criteria: LabCorp Variant Classification Summary - May 2015. Collection method: clinical testing. Allele origin: germline.
Comment: Variant summary: MCCC1 c.1417C>G (p.Leu473Val) results in a conservative amino acid change located in the biotin carboxylase, C-terminal domain (IPR005482) of the encoded protein sequence. Three of five in-silico tools predict a damaging effect of the variant on protein function. The variant allele was found at a frequency of 7.2e-05 in 251368 control chromosomes (gnomAD). This frequency is not significantly higher than expected for a pathogenic variant in MCCC1 causing Methylcrotonyl-CoA Carboxylase Deficiency (7.2e-05 vs 0.0042), allowing no conclusion about variant significance. To our knowledge, no occurrence of c.1417C>G in individuals affected with Methylcrotonyl-CoA Carboxylase Deficiency and no experimental evidence demonstrating its impact on protein function have been reported. One clinical diagnostic laboratory has submitted clinical-significance assessments for this variant to ClinVar after 2014 and classified the variant as uncertain significance. Based on the evidence outlined above, the variant was classified as uncertain significance.

Revvity Omics, Revvity
Classification: Uncertain significance for 3-methylcrotonyl-CoA carboxylase 1 deficiency. Last evaluated: 2020-11-20. Review status: criteria provided, single submitter. Criteria: ACMG Guidelines, 2015. Collection method: clinical testing. Allele origin: germline.

NM_020166.5(MCCC1):c.1417C>G (p.Leu473Val)

Gene: MCCC1 (methylcrotonyl-CoA carboxylase subunit 1; minus strand). Cytogenetic location: 3q27.1.
Variant type: single nucleotide variant.
Coding change: c.1417C>G on transcript NM_020166.5 (MANE Select); coding-DNA position 1417, C replaced by G.
Protein change: p.Leu473Val; replaces leucine 473 with valine.
Molecular consequence: missense variant. On other transcripts: non-coding transcript variant (1).
Genome position (GRCh38, 1-based): chr3:183,037,395, G>C on the plus strand (C>G on the coding strand, the complement: MCCC1 is on the minus strand). VCF-style: chr3-183037395-G-C. GRCh37 (hg19) VCF-style: chr3-182755183-G-C.
Other names: c.1066C>G, p.Leu356Val (NM_001293273.2); c.1090C>G, p.Leu364Val (NM_001363880.1); short protein forms L356V, L364V, L473V.
Identifiers: ClinVar variation 1441945 (VCV001441945.7), dbSNP rs565662458, ClinGen allele CA2718780.
Genomic context (GRCh38, chr3:183,037,395, plus strand): 5'-GGTGTTGAGGGATGAAATCAGTGTGCACGTTCCCAGCTTCAAACTCTGGGTGGCCAGACA[G>C]GTTGAGTAAGAAGTCAATGTTGGTGTGCAGTCCAACAATCTAGGAAGAGAATAAACCCCC-3'
Protein context (NP_064551.3, residues 463-483): LHTNIDFLLN[Leu473Val]SGHPEFEAGN